The following is an entry in ClinVar:

NM_019098.5(CNGB3):c.1320+4A>G

Gene: CNGB3 (cyclic nucleotide gated channel subunit beta 3; minus strand). Cytogenetic location: 8q21.3.
Variant type: single nucleotide variant.
Coding change: c.1320+4A>G on transcript NM_019098.5 (MANE Select); 4 bases into the intron after coding-DNA position 1320, A replaced by G.
Molecular consequence: intron variant.
Genome position (GRCh38, 1-based): chr8:86,632,748, T>C on the plus strand (A>G on the coding strand, the complement: CNGB3 is on the minus strand). VCF-style: chr8-86632748-T-C. GRCh37 (hg19) VCF-style: chr8-87644976-T-C.
Identifiers: ClinVar variation 427703 (VCV000427703.13), dbSNP rs1026427970, ClinGen allele CA180340702.

ClinVar aggregate classification (germline): Conflicting classifications of pathogenicity. Review status: criteria provided, conflicting classifications (1 of 4 stars). 7 submissions from 7 submitters: Pathogenic (1); Likely pathogenic (4); Uncertain significance (1). 1 of the submissions does not count toward it. Last evaluated 2025-04-08.

Conditions:
Achromatopsia. Also called: Rod monochromatism. Identifiers: Orphanet 49382, MedGen C0152200, MONDO:0018852, HP:0011516.
Achromatopsia 3 (ACHM3). Also called: ACHROMATOPSIA WITH MYOPIA; PINGELAPESE BLINDNESS; TOTAL COLORBLINDNESS WITH MYOPIA; ROD MONOCHROMACY 1; ROD MONOCHROMATISM 1. Identifiers: Orphanet 49382, MedGen C1849792, MONDO:0009875, OMIM 262300.

Allele frequency attached by ClinVar (database versions not stated): gnomAD exomes below 0.00001; gnomAD 0.00002; TOPMed 0.00003.
gnomAD v4.1: 5 of 1,612,976 alleles (0.00031%); highest among the groups gnomAD compares: African/African-American, 0.004%; no homozygotes.

Submissions (7):

Myriad Genetics, Inc.
Classification: Likely pathogenic for Achromatopsia 3. Last evaluated: 2025-04-08. Review status: criteria provided, single submitter. Criteria: Myriad Autosomal Dominant, Autosomal Recessive and X-Linked Classification Criteria (2023). Collection method: clinical testing. Allele origin: unknown.
Comment: NM_019098.4(CNGB3):c.1320+4A>G is an intronic variant classified as likely pathogenic in the context of achromatopsia, CNGB3-related. c.1320+4A>G has been observed in cases with relevant disease (PMID: 28795510, 27479814, 35672425). Relevant functional assessments of this variant are not available in the literature. c.1320+4A>G has not been observed in referenced population frequency databases. In summary, NM_019098.4(CNGB3):c.1320+4A>G is an intronic variant that has been observed more frequently in cases with the relevant disease than in healthy populations. Please note: this variant was assessed in the context of healthy population screening.

Fulgent Genetics
Classification: Likely pathogenic for Achromatopsia 3. Last evaluated: 2024-06-18. Review status: criteria provided, single submitter. Criteria: ACMG Guidelines, 2015. Collection method: clinical testing. Allele origin: germline.

Natera, Inc.
Classification: Likely pathogenic for Achromatopsia. Last evaluated: 2024-05-13. Review status: criteria provided, single submitter. Criteria: Natera Variant Classification Schema (03/2026). Collection method: clinical testing. Allele origin: germline.
Comment: The c.1320+4A>G variant in CNGB3 is an intronic variant located outside the canonical splice sites. This variant is rare in the general population with a frequency below the threshold expected for the associated phenotype(s). This variant has been observed in one or more individuals affected with the associated recessive disease, as either homozygous or compound heterozygous with a second variant (PMID: 35672425). Computational prediction algorithms indicate this variant is likely to affect gene or protein function. Given the available evidence, this variant is classified as Likely Pathogenic.

Labcorp Genetics (formerly Invitae), Labcorp
Classification: Pathogenic. Last evaluated: 2023-09-26. Review status: criteria provided, single submitter. Criteria: Invitae Variant Classification Sherloc (09022015). Collection method: clinical testing. Allele origin: germline.
Comment: For these reasons, this variant has been classified as Pathogenic. Variants that disrupt the consensus splice site are a relatively common cause of aberrant splicing (PMID: 17576681, 9536098). Algorithms developed to predict the effect of sequence changes on RNA splicing suggest that this variant may disrupt the consensus splice site. ClinVar contains an entry for this variant (Variation ID: 427703). This variant has been observed in individual(s) with achromatopsia (PMID: 27479814, 28795510; Invitae). In at least one individual the data is consistent with being in trans (on the opposite chromosome) from a pathogenic variant. This variant is present in population databases (no rsID available, gnomAD 0.01%). This sequence change falls in intron 11 of the CNGB3 gene. It does not directly change the encoded amino acid sequence of the CNGB3 protein. It affects a nucleotide within the consensus splice site.

Women's Health and Genetics/Laboratory Corporation of America, LabCorp
Classification: Likely pathogenic for Achromatopsia 3. Last evaluated: 2023-07-27. Review status: criteria provided, single submitter. Criteria: LabCorp Variant Classification Summary - May 2015. Collection method: clinical testing. Allele origin: germline.
Comment: Variant summary: CNGB3 c.1320+4A>G alters a conserved nucleotide located close to a canonical splice site and therefore could affect mRNA splicing, leading to a significantly altered protein sequence. 3/4 computational tools predict no significant impact on normal splicing, while 1 tool predicts that it weakens the canonical 5' splicing donor site. However, these predictions have yet to be confirmed by functional studies. The variant was absent in 250378 control chromosomes (gnomAD). c.1320+4A>G has been reported in the literature in individuals affected with Achromatopsia (Langlo_2016, Mayer_2017, Ganapathi_2022), and some were reported as compound heterozygous with other (likely) pathogenic variants. These data indicate that the variant is likely to be associated with disease. To our knowledge, no experimental evidence demonstrating an impact on protein function has been reported. The following publications have been ascertained in the context of this evaluation (PMID: 27479814, 28795510, 35672425). Two submitters have cited clinical-significance assessments for this variant to ClinVar after 2014. One submitter classified the variant as pathogenic, and one classified it as uncertain significance. Based on the evidence outlined above, the variant was classified as likely pathogenic.

Blueprint Genetics
Classification: Uncertain significance. Last evaluated: 2021-12-23. Review status: criteria provided, single submitter. Criteria: ACMG Guidelines, 2015. Collection method: clinical testing. Allele origin: germline.

Molecular Genetics Laboratory, Institute for Ophthalmic Research
Classification: Uncertain significance for ACHM3. Last evaluated: 2017-03-27. Review status: no assertion criteria provided. Collection method: research. Allele origin: unknown. Affected: yes. Not counted in ClinVar's aggregate classification.

Literature cited by the submitters: PubMed 27479814 (cited by 3 submitters); PubMed 28795510 (cited by 4 submitters); PubMed 35672425 (cited by 3 submitters); PubMed 17576681 (cited by Labcorp Genetics (formerly Invitae), Labcorp); PubMed 9536098 (cited by Labcorp Genetics (formerly Invitae), Labcorp).